The following is an entry in ClinVar:

ClinVar aggregate classification (germline): Likely pathogenic (1 of 4 stars; one submission).

Submission:

Labcorp Genetics (formerly Invitae), Labcorp
Classification: Likely pathogenic. Last evaluated: 2023-10-09. Review status: criteria provided, single submitter. Criteria: Invitae Variant Classification Sherloc (09022015). Collection method: clinical testing. Allele origin: germline.
Comment: This sequence change affects an acceptor splice site in intron 10 of the PEPD gene. It is expected to disrupt RNA splicing. Variants that disrupt the donor or acceptor splice site typically lead to a loss of protein function (PMID: 16199547), and loss-of-function variants in PEPD are known to be pathogenic (PMID: 8198124, 10721675, 12384772, 17142620). This variant is not present in population databases (gnomAD no frequency). This variant has not been reported in the literature in individuals affected with PEPD-related conditions. Algorithms developed to predict the effect of sequence changes on RNA splicing suggest that this variant may disrupt the consensus splice site. In summary, the currently available evidence indicates that the variant is pathogenic, but additional data are needed to prove that conclusively. Therefore, this variant has been classified as Likely Pathogenic.

Literature cited by the submitters: PubMed 16199547; PubMed 8198124; PubMed 10721675; PubMed 12384772; PubMed 17142620.

NM_000285.4(PEPD):c.741-2A>G

Gene: PEPD (peptidase D; minus strand). Cytogenetic location: 19q13.11.
Variant type: single nucleotide variant.
Coding change: c.741-2A>G on transcript NM_000285.4 (MANE Select); the canonical splice acceptor site of the intron before coding-DNA position 741, A replaced by G.
Molecular consequence: splice acceptor variant.
Genome position (GRCh38, 1-based): chr19:33,411,751, T>C on the plus strand (A>G on the coding strand, the complement: PEPD is on the minus strand). VCF-style: chr19-33411751-T-C. GRCh37 (hg19) VCF-style: chr19-33902657-T-C.
Other names: c.549-2A>G (NM_001166057.2); c.618-2A>G (NM_001166056.2).
Identifiers: ClinVar variation 2787558 (VCV002787558.3), dbSNP rs2513410277, ClinGen allele CA405226449.